The following is an entry in ClinVar:

NM_182961.4(SYNE1):c.10935C>T (p.His3645=)

Gene: SYNE1 (spectrin repeat containing nuclear envelope protein 1; minus strand). Cytogenetic location: 6q25.2.
Variant type: single nucleotide variant.
Coding change: c.10935C>T on transcript NM_182961.4 (MANE Select); coding-DNA position 10935, C replaced by T.
Protein change: p.His3645=; no amino-acid change (histidine 3645 retained).
Molecular consequence: synonymous variant.
Genome position (GRCh38, 1-based): chr6:152,353,736, G>A on the plus strand (C>T on the coding strand, the complement: SYNE1 is on the minus strand). VCF-style: chr6-152353736-G-A. GRCh37 (hg19) VCF-style: chr6-152674871-G-A.
Other names: c.10890C>T, p.His3630= (NM_033071.5).
Identifiers: ClinVar variation 1540254 (VCV001540254.32), dbSNP rs201704617, ClinGen allele CA4056832.
Genomic context (GRCh38, chr6:152,353,736, plus strand): 5'-TATCTCCTGAGCTCTAGCTCCCACTTCCTCAACTTCATCTCTGTATGCAGTCACTTCTTC[G>A]TGCCACTTCTGAAATGACAAAGTATCGAAGGGAAAGATTCAATCTTAGCCATTCGAATAA-3'
Protein context (NP_892006.3, residues 3635-3655): EIQLHQMKKW[His3645=]EEVTAYRDEV

ClinVar aggregate classification (germline): Likely benign. Review status: criteria provided, multiple submitters, no conflicts (2 of 4 stars). 3 submissions from 3 submitters: Likely benign (3). Last evaluated 2025-09-01.

Conditions:
Autosomal recessive ataxia, Beauce type. Also called: SYNE1 Deficiency; Spinocerebellar ataxia, autosomal recessive 8; ATAXIA, RECESSIVE, OF BEAUCE; SYNE1-Related Autosomal Recessive Cerebellar Ataxia. Identifiers: Orphanet 88644, MedGen C1853116, MONDO:0012549, OMIM 610743.
Emery-Dreifuss muscular dystrophy 4, autosomal dominant (EDMD4). Also called: EMERY-DREIFUSS MUSCULAR DYSTROPHY 4 WITH VARIABLE FEATURES. Identifiers: Orphanet 261, MedGen C2751807, MONDO:0013071, OMIM 612998.

Allele frequency attached by ClinVar (database versions not stated): TOPMed 0.00005; gnomAD 0.00006; ExAC 0.00007; ESP Exome Variant Server 0.00008; gnomAD exomes 0.00009.
gnomAD v4.1: 106 of 1,613,812 alleles (0.0066%); highest among the groups gnomAD compares: South Asian, 0.016%; no homozygotes.

Submissions (3):

CeGaT Center for Human Genetics Tuebingen
Classification: Likely benign. Last evaluated: 2025-09-01. Review status: criteria provided, single submitter. Criteria: CeGaT Center For Human Genetics Tuebingen Variant Classification Criteria Version 2. Collection method: clinical testing. Allele origin: germline. Affected: yes. Observed: 3 variant alleles.
Comment: SYNE1: BP4, BP7

Labcorp Genetics (formerly Invitae), Labcorp
Classification: Likely benign for Emery-Dreifuss muscular dystrophy 4, autosomal dominant; Autosomal recessive ataxia, Beauce type. Last evaluated: 2025-01-12. Review status: criteria provided, single submitter. Criteria: Invitae Variant Classification Sherloc (09022015). Collection method: clinical testing. Allele origin: germline.

Blueprint Genetics
Classification: Likely benign. Last evaluated: 2024-10-24. Review status: criteria provided, single submitter. Criteria: ACMG Guidelines, 2015. Collection method: clinical testing. Allele origin: germline.